The following is an entry in ClinVar:

ClinVar aggregate classification (germline): Uncertain significance (1 of 4 stars; one submission).

Submission:

CeGaT Center for Human Genetics Tuebingen
Classification: Uncertain significance. Last evaluated: 2024-02-01. Review status: criteria provided, single submitter. Criteria: CeGaT Center For Human Genetics Tuebingen Variant Classification Criteria Version 2. Collection method: clinical testing. Allele origin: germline. Affected: yes. Observed: 1 variant allele.
Comment: KMT2A: PM2, BP4

NM_001197104.2(KMT2A):c.10502A>C (p.Asn3501Thr)

Gene: KMT2A (lysine methyltransferase 2A; plus strand). Cytogenetic location: 11q23.3.
Variant type: single nucleotide variant.
Coding change: c.10502A>C on transcript NM_001197104.2 (MANE Select); coding-DNA position 10502, A replaced by C.
Protein change: p.Asn3501Thr; replaces asparagine 3501 with threonine.
Molecular consequence: missense variant.
Genome position (GRCh38, 1-based): chr11:118,506,394, A>C. VCF-style: chr11-118506394-A-C. GRCh37 (hg19) VCF-style: chr11-118377109-A-C.
Other names: c.10592A>C, p.Asn3531Thr (NM_001412597.1); c.10493A>C, p.Asn3498Thr (NM_005933.4); short protein forms N3498T, N3501T, N3531T.
Identifiers: ClinVar variation 3026548 (VCV003026548.22), dbSNP rs2497031397, ClinGen allele CA382825990.